The following is an entry in ClinVar:

ClinVar aggregate classification (germline): Uncertain significance (1 of 4 stars; one submission).

Conditions:
Nemaline myopathy 2 (NEM2). Also called: Nemaline myopathy 2, autosomal recessive. Identifiers: MedGen C1850569, MONDO:0009725, OMIM 256030.

Allele frequency attached by ClinVar (database versions not stated): ExAC 0.00001; TOPMed 0.00001.
gnomAD v4.1: 2 of 1,613,964 alleles (0.00012%); highest among the groups gnomAD compares: Admixed American, 0.0033%; no homozygotes.

Submission:

Labcorp Genetics (formerly Invitae), Labcorp
Classification: Uncertain significance for Nemaline myopathy 2. Last evaluated: 2021-10-02. Review status: criteria provided, single submitter. Criteria: Invitae Variant Classification Sherloc (09022015). Collection method: clinical testing. Allele origin: germline.
Comment: This sequence change replaces alanine with serine at codon 1149 of the NEB protein (p.Ala1149Ser). The alanine residue is moderately conserved and there is a moderate physicochemical difference between alanine and serine. This variant is present in population databases (rs752178904, ExAC 0.009%). This variant has not been reported in the literature in individuals affected with NEB-related conditions. Algorithms developed to predict the effect of missense changes on protein structure and function are either unavailable or do not agree on the potential impact of this missense change (SIFT: "Deleterious"; PolyPhen-2: "Not Available"; Align-GVGD: "Class C0"). In summary, the available evidence is currently insufficient to determine the role of this variant in disease. Therefore, it has been classified as a Variant of Uncertain Significance.

NM_001164508.2(NEB):c.3445G>T (p.Ala1149Ser)

Gene: NEB (nebulin; minus strand). Cytogenetic location: 2q23.3.
Variant type: single nucleotide variant.
Coding change: c.3445G>T on transcript NM_001164508.2 (MANE Select); coding-DNA position 3445, G replaced by T.
Protein change: p.Ala1149Ser; replaces alanine 1149 with serine.
Molecular consequence: missense variant.
Genome position (GRCh38, 1-based): chr2:151,677,998, C>A on the plus strand (G>T on the coding strand, the complement: NEB is on the minus strand). VCF-style: chr2-151677998-C-A. GRCh37 (hg19) VCF-style: chr2-152534512-C-A.
Other names: c.3445G>T, p.Ala1149Ser (NM_001164507.2, NM_001271208.2, NM_004543.5); short protein forms A1149S.
Identifiers: ClinVar variation 960122 (VCV000960122.4), dbSNP rs752178904, ClinGen allele CA1910903.